The following is an entry in ClinVar:

ClinVar aggregate classification (germline): Uncertain significance. Review status: criteria provided, multiple submitters, no conflicts (2 of 4 stars). 2 submissions from 2 submitters: Uncertain significance (2). Last evaluated 2026-01-16.

Conditions:
Hereditary cancer-predisposing syndrome. Also called: Hereditary neoplastic syndrome; Tumor predisposition; Neoplastic Syndromes, Hereditary; Hereditary Cancer Syndrome. Identifiers: Orphanet 140162, MedGen C0027672, MeSH D009386, MONDO:0015356.

Allele frequency attached by ClinVar (database versions not stated): gnomAD exomes below 0.00001.
gnomAD v4.1: 1 of 1,614,066 alleles (0.000062%); highest among the groups gnomAD compares: Non-Finnish European, 0.000085%; no homozygotes.

Submissions (2):

Ambry Genetics
Classification: Uncertain significance for Hereditary cancer-predisposing syndrome. Last evaluated: 2026-01-16. Review status: criteria provided, single submitter. Criteria: Ambry Variant Classification Scheme 2023. Collection method: clinical testing. Allele origin: germline.
Comment: The p.D595N variant (also known as c.1783G>A), located in coding exon 13 of the MSH3 gene, results from a G to A substitution at nucleotide position 1783. The aspartic acid at codon 595 is replaced by asparagine, an amino acid with highly similar properties. This amino acid position is conserved. In addition, the in silico prediction for this alteration is inconclusive. Based on the available evidence, the clinical significance of this variant remains unclear.

Labcorp Genetics (formerly Invitae), Labcorp
Classification: Uncertain significance. Last evaluated: 2022-02-10. Review status: criteria provided, single submitter. Criteria: Invitae Variant Classification Sherloc (09022015). Collection method: clinical testing. Allele origin: germline.
Comment: In summary, the available evidence is currently insufficient to determine the role of this variant in disease. Therefore, it has been classified as a Variant of Uncertain Significance. Algorithms developed to predict the effect of missense changes on protein structure and function are either unavailable or do not agree on the potential impact of this missense change (SIFT: "Deleterious"; PolyPhen-2: "Probably Damaging"; Align-GVGD: "Class C0"). This variant has not been reported in the literature in individuals affected with MSH3-related conditions. This variant is not present in population databases (gnomAD no frequency). This sequence change replaces aspartic acid, which is acidic and polar, with asparagine, which is neutral and polar, at codon 595 of the MSH3 protein (p.Asp595Asn).

NM_002439.5(MSH3):c.1783G>A (p.Asp595Asn)

Gene: MSH3 (mutS homolog 3; plus strand). Cytogenetic location: 5q14.1.
Variant type: single nucleotide variant.
Coding change: c.1783G>A on transcript NM_002439.5 (MANE Select); coding-DNA position 1783, G replaced by A.
Protein change: p.Asp595Asn; replaces aspartic acid 595 with asparagine.
Molecular consequence: missense variant.
Genome position (GRCh38, 1-based): chr5:80,761,565, G>A. VCF-style: chr5-80761565-G-A. GRCh37 (hg19) VCF-style: chr5-80057384-G-A.
Other names: c.1783G>A (NM_002439.3); short protein forms D595N.
Identifiers: ClinVar variation 1354128 (VCV001354128.9), dbSNP rs2112879862, ClinGen allele CA360276505.